The following is an entry in ClinVar:

NM_002972.4(SBF1):c.2958C>A (p.Cys986Ter)

Gene: SBF1 (SET binding factor 1; minus strand). Cytogenetic location: 22q13.33.
Variant type: single nucleotide variant.
Coding change: c.2958C>A on transcript NM_002972.4 (MANE Select); coding-DNA position 2958, C replaced by A.
Protein change: p.Cys986Ter; replaces cysteine 986 with a stop codon.
Molecular consequence: nonsense.
Genome position (GRCh38, 1-based): chr22:50,461,168, G>T on the plus strand (C>A on the coding strand, the complement: SBF1 is on the minus strand). VCF-style: chr22-50461168-G-T. GRCh37 (hg19) VCF-style: chr22-50899597-G-T.
Other names: c.2961C>A, p.Cys987Ter (NM_001365819.1); short protein forms C986*, C987*.
Identifiers: ClinVar variation 1690663 (VCV001690663.2), dbSNP rs2148587700, ClinGen allele CA412207699.

ClinVar aggregate classification (germline): Likely pathogenic (1 of 4 stars; one submission).

Submission:

Laboratorio de Genetica e Diagnostico Molecular, Hospital Israelita Albert Einstein
Classification: Likely pathogenic. Last evaluated: 2019-07-23. Review status: criteria provided, single submitter. Criteria: ACMG Guidelines, 2015. Collection method: clinical testing. Allele origin: germline. Affected: yes.
Comment: ACMG classification criteria: PVS1, PM2